The following is an entry in ClinVar:

ClinVar aggregate classification (germline): Uncertain significance. Review status: criteria provided, multiple submitters, no conflicts (2 of 4 stars). 3 submissions from 3 submitters: Uncertain significance (3). Last evaluated 2025-04-28.

Conditions:
Rhabdoid tumor predisposition syndrome 2 (RTPS2). Identifiers: Orphanet 231108, Orphanet 69077, MedGen C2750074, MONDO:0013224, OMIM 613325.
SMARCA4-related disorder. Also called: SMARCA4-related condition.
Hereditary cancer-predisposing syndrome. Also called: Hereditary neoplastic syndrome; Neoplastic Syndromes, Hereditary; Hereditary Cancer Syndrome; Tumor predisposition. Identifiers: Orphanet 140162, MedGen C0027672, MeSH D009386, MONDO:0015356.

Allele frequency attached by ClinVar (database versions not stated): gnomAD exomes below 0.00001.
gnomAD v4.1: 2 of 1,577,824 alleles (0.00013%); highest among the groups gnomAD compares: African/African-American, 0.0013%; no homozygotes.

Submissions (3):

Ambry Genetics
Classification: Uncertain significance for Hereditary cancer-predisposing syndrome. Last evaluated: 2025-04-28. Review status: criteria provided, single submitter. Criteria: Ambry Variant Classification Scheme 2023. Collection method: clinical testing. Allele origin: germline.
Comment: The p.R1325H variant (also known as c.3974G>A), located in coding exon 28 of the SMARCA4 gene, results from a G to A substitution at nucleotide position 3974. The arginine at codon 1325 is replaced by histidine, an amino acid with highly similar properties. This amino acid position is conserved. In addition, the in silico prediction for this alteration is inconclusive. Based on the available evidence, the clinical significance of this variant remains unclear.

PreventionGenetics, part of Exact Sciences
Classification: Uncertain significance for SMARCA4-related condition. Last evaluated: 2023-09-25. Review status: criteria provided, single submitter. Criteria: ACMG Guidelines, 2015. Collection method: clinical testing. Allele origin: germline.
Comment: The SMARCA4 c.3974G>A variant is predicted to result in the amino acid substitution p.Arg1325His. To our knowledge, this variant has not been reported in the literature or in a large population database, indicating this variant is rare. This variant is reported in ClinVar as uncertain. At this time, the clinical significance of this variant is uncertain due to the absence of conclusive functional and genetic evidence.

Labcorp Genetics (formerly Invitae), Labcorp
Classification: Uncertain significance for Rhabdoid tumor predisposition syndrome 2. Last evaluated: 2022-02-24. Review status: criteria provided, single submitter. Criteria: Invitae Variant Classification Sherloc (09022015). Collection method: clinical testing. Allele origin: germline.
Comment: This variant is not present in population databases (gnomAD no frequency). In summary, the available evidence is currently insufficient to determine the role of this variant in disease. Therefore, it has been classified as a Variant of Uncertain Significance. Algorithms developed to predict the effect of missense changes on protein structure and function are either unavailable or do not agree on the potential impact of this missense change (SIFT: "Tolerated"; PolyPhen-2: "Probably Damaging"; Align-GVGD: "Class C0"). ClinVar contains an entry for this variant (Variation ID: 659680). This variant has not been reported in the literature in individuals affected with SMARCA4-related conditions. This sequence change replaces arginine, which is basic and polar, with histidine, which is basic and polar, at codon 1325 of the SMARCA4 protein (p.Arg1325His).

NM_003072.5(SMARCA4):c.3974G>A (p.Arg1325His)

Gene: SMARCA4 (SWI/SNF related BAF chromatin remodeling complex subunit ATPase 4; plus strand). Cytogenetic location: 19p13.2.
Variant type: single nucleotide variant.
Coding change: c.3974G>A on transcript NM_003072.5 (MANE Select); coding-DNA position 3974, G replaced by A.
Protein change: p.Arg1325His; replaces arginine 1325 with histidine.
Molecular consequence: missense variant. On other transcripts: non-coding transcript variant (1).
Genome position (GRCh38, 1-based): chr19:11,034,936, G>A. VCF-style: chr19-11034936-G-A. GRCh37 (hg19) VCF-style: chr19-11145612-G-A.
Other names: c.3974G>A, p.Arg1325His (NM_001128844.3, NM_001128849.3, NM_001387283.1); c.3875G>A, p.Arg1292His (NM_001128845.2, NM_001128846.2, NM_001128847.4 and 2 more transcripts); short protein forms R1325H, R1292H.
Identifiers: ClinVar variation 659680 (VCV000659680.10), dbSNP rs1600405478, ClinGen allele CA404068029.